The following is an entry in ClinVar:

NM_004408.4(DNM1):c.946A>G (p.Asn316Asp)

Gene: DNM1 (dynamin 1; plus strand). Cytogenetic location: 9q34.11.
Variant type: single nucleotide variant.
Coding change: c.946A>G on transcript NM_004408.4 (MANE Select); coding-DNA position 946, A replaced by G.
Protein change: p.Asn316Asp; replaces asparagine 316 with aspartic acid.
Molecular consequence: missense variant.
Genome position (GRCh38, 1-based): chr9:128,222,293, A>G. VCF-style: chr9-128222293-A-G. GRCh37 (hg19) VCF-style: chr9-130984572-A-G.
Other names: c.946A>G, p.Asn316Asp (NM_001005336.3, NM_001288737.2, NM_001288738.2 and 2 more transcripts); short protein forms N316D.
Identifiers: ClinVar variation 1358834 (VCV001358834.8), dbSNP rs1214581005, ClinGen allele CA375015360.

ClinVar aggregate classification (germline): Uncertain significance (1 of 4 stars; one submission).

Conditions:
Developmental and epileptic encephalopathy, 31A. Also called: Developmental and epileptic encephalopathy, 31; Epileptic encephalopathy, early infantile, 31. Identifiers: Orphanet 2382, MedGen C4225357, MONDO:0014598, OMIM 616346.

Allele frequency attached by ClinVar (database versions not stated): gnomAD exomes below 0.00001; gnomAD 0.00001; TOPMed 0.00002.
gnomAD v4.1: 2 of 1,614,004 alleles (0.00012%); highest among the groups gnomAD compares: Non-Finnish European, 0.00017%; no homozygotes.

Submission:

Labcorp Genetics (formerly Invitae), Labcorp
Classification: Uncertain significance for Developmental and epileptic encephalopathy, 31A. Last evaluated: 2021-05-10. Review status: criteria provided, single submitter. Criteria: Invitae Variant Classification Sherloc (09022015). Collection method: clinical testing. Allele origin: germline.
Comment: In summary, the available evidence is currently insufficient to determine the role of this variant in disease. Therefore, it has been classified as a Variant of Uncertain Significance. Advanced modeling of protein sequence and biophysical properties (such as structural, functional, and spatial information, amino acid conservation, physicochemical variation, residue mobility, and thermodynamic stability) performed at Invitae indicates that this missense variant is not expected to disrupt DNM1 protein function. This variant has not been reported in the literature in individuals with DNM1-related conditions. This variant is not present in population databases (ExAC no frequency). This sequence change replaces asparagine with aspartic acid at codon 316 of the DNM1 protein (p.Asn316Asp). The asparagine residue is highly conserved and there is a small physicochemical difference between asparagine and aspartic acid.